The following is an entry in ClinVar:

NM_004329.3(BMPR1A):c.1121G>A (p.Gly374Glu)

Gene: BMPR1A (bone morphogenetic protein receptor type 1A; plus strand). Cytogenetic location: 10q23.2.
Variant type: single nucleotide variant.
Coding change: c.1121G>A on transcript NM_004329.3 (MANE Select); coding-DNA position 1121, G replaced by A.
Protein change: p.Gly374Glu; replaces glycine 374 with glutamic acid.
Molecular consequence: missense variant. On other transcripts: non-coding transcript variant (3).
Genome position (GRCh38, 1-based): chr10:86,919,424, G>A. VCF-style: chr10-86919424-G-A. GRCh37 (hg19) VCF-style: chr10-88679181-G-A.
Other names: c.1196G>A, p.Gly399Glu (NM_001406559.1); c.1169G>A, p.Gly390Glu (NM_001406560.1); c.1121G>A, p.Gly374Glu (NM_001406561.1, NM_001406562.1, NM_001406563.1 and 19 more transcripts); c.1115G>A, p.Gly372Glu (NM_001406583.1); c.1037G>A, p.Gly346Glu (NM_001406584.1, NM_001406585.1, NM_001406586.1 and 2 more transcripts); c.779G>A, p.Gly260Glu (NM_001406589.1); short protein forms G374E, G260E, G390E, G399E, G346E, G372E.
Identifiers: ClinVar variation 2774811 (VCV002774811.3), dbSNP rs2539622991, ClinGen allele CA377460958.
Genomic context (GRCh38, chr10:86,919,424, plus strand): 5'-GAAAGCCCGCAATTGCTCATCGAGACCTAAAGAGCAAAAACATCCTCATCAAGAAAAATG[G>A]GAGTTGCTGCATTGCTGACCTGGGCCTTGCTGTTAAATTCAACAGGTGAGTGGTTCTTTG-3'
Protein context (NP_004320.2, residues 364-384): KSKNILIKKN[Gly374Glu]SCCIADLGLA

ClinVar aggregate classification (germline): Uncertain significance. Review status: criteria provided, multiple submitters, no conflicts (2 of 4 stars). 2 submissions from 2 submitters: Uncertain significance (2). Last evaluated 2025-08-26.

Conditions:
Hereditary cancer-predisposing syndrome. Also called: Neoplastic Syndromes, Hereditary; Tumor predisposition; Hereditary Cancer Syndrome; Hereditary neoplastic syndrome. Identifiers: Orphanet 140162, MedGen C0027672, MeSH D009386, MONDO:0015356.

Submissions (2):

Ambry Genetics
Classification: Uncertain significance for Hereditary cancer-predisposing syndrome. Last evaluated: 2025-08-26. Review status: criteria provided, single submitter. Criteria: Ambry Variant Classification Scheme 2023. Collection method: clinical testing. Allele origin: germline.

Color Diagnostics, LLC DBA Color Health
Classification: Uncertain significance for Hereditary cancer-predisposing syndrome. Last evaluated: 2024-03-06. Review status: criteria provided, single submitter. Criteria: ACMG Guidelines, 2015. Collection method: clinical testing. Allele origin: germline.
Comment: This missense variant replaces glycine with glutamic acid at codon 374 of the BMPR1A protein. Computational prediction suggests that this variant may impact protein structure and function (internally defined REVEL score threshold >= 0.7, PMID: 27666373). To our knowledge, functional studies have not been reported for this variant. This variant has not been reported in individuals affected with BMPR1A-related disorders in the literature. This variant has not been identified in the general population by the Genome Aggregation Database (gnomAD). The available evidence is insufficient to determine the role of this variant in disease conclusively. Therefore, this variant is classified as a Variant of Uncertain Significance.